The following is an entry in ClinVar:

NM_024079.5(ALG8):c.365G>A (p.Arg122His)

Gene: ALG8 (ALG8 alpha-1,3-glucosyltransferase; minus strand). Cytogenetic location: 11q14.1.
Variant type: single nucleotide variant.
Coding change: c.365G>A on transcript NM_024079.5 (MANE Select); coding-DNA position 365, G replaced by A.
Protein change: p.Arg122His; replaces arginine 122 with histidine.
Molecular consequence: missense variant. On other transcripts: 5 prime UTR variant (1), non-coding transcript variant (2), intron variant (1), splice donor variant (1).
Genome position (GRCh38, 1-based): chr11:78,124,024, C>T on the plus strand (G>A on the coding strand, the complement: ALG8 is on the minus strand). VCF-style: chr11-78124024-C-T. GRCh37 (hg19) VCF-style: chr11-77835070-C-T.
Other names: c.365G>A, p.Arg122His (NM_001007027.3, NM_001425221.1, NM_001425222.1 and 13 more transcripts); c.368G>A, p.Arg123His (NM_001425219.1); c.212G>A, p.Arg71His (NM_001425226.1, NM_001425235.1, NM_001425236.1); c.164G>A, p.Arg55His (NM_001425231.1); c.101G>A, p.Arg34His (NM_001425234.1, NM_001425239.1); c.-186G>A (NM_001425242.1); c.353+12G>A (NM_001425220.1); c.-149+1G>A (NM_001425241.1); short protein forms R122H, R123H, R34H, R55H, R71H.
Identifiers: ClinVar variation 3361686 (VCV003361686.3).
Genomic context (GRCh38, chr11:78,124,024, plus strand): 5'-TAACACTGTACTATTTTTTCAATACCTTCCATACAAAATGACATGCTCCAGACTTACTCA[C>T]GGACAGCATACACAAAGAGTACATCCATAAAGATGACGGAAAATCTCTGGAAAAGTAAGG-3'
Protein context (NP_076984.2, residues 112-132): FMDVLFVYAV[Arg122His]ECCKCIDGKK

ClinVar aggregate classification (germline): Conflicting classifications of pathogenicity. Review status: criteria provided, conflicting classifications (1 of 4 stars). 2 submissions from 2 submitters: Uncertain significance (1); Likely benign (1). Last evaluated 2026-01-02.

Conditions:
ALG8 congenital disorder of glycosylation. Also called: CONGENITAL DISORDER OF GLYCOSYLATION, TYPE Ih; CDG Ih; ALG8-CDG. Identifiers: Orphanet 79325, MedGen C2931002, MONDO:0011969, OMIM 608104.

gnomAD v4.1: 81 of 1,614,040 alleles (0.005%); highest among the groups gnomAD compares: East Asian, 0.13%; no homozygotes.

Submissions (2):

Labcorp Genetics (formerly Invitae), Labcorp
Classification: Likely benign for ALG8 congenital disorder of glycosylation. Last evaluated: 2026-01-02. Review status: criteria provided, single submitter. Criteria: Invitae Variant Classification Sherloc (09022015). Collection method: clinical testing. Allele origin: germline.

GeneDx
Classification: Uncertain significance. Last evaluated: 2023-08-03. Review status: criteria provided, single submitter. Criteria: GeneDx Variant Classification Process June 2021. Collection method: clinical testing. Allele origin: germline. Affected: yes.
Comment: In silico analysis supports that this missense variant does not alter protein structure/function; Has not been previously published as pathogenic or benign to our knowledge